The following is an entry in ClinVar:

ClinVar aggregate classification (germline): Uncertain significance (1 of 4 stars; one submission).

Conditions:
Dentinogenesis imperfecta. Identifiers: Orphanet 49042, MedGen C0011436, MONDO:0018849, HP:0000703.

Submission:

Victorian Clinical Genetics Services, Murdoch Childrens Research Institute
Classification: Uncertain significance for Dentinogenesis imperfecta. Last evaluated: 2024-09-20. Review status: criteria provided, single submitter. Criteria: ACMG Guidelines, 2015. Collection method: clinical testing. Allele origin: germline. Inheritance: Autosomal dominant inheritance. Affected: yes.
Comment: Based on the classification scheme VCGS_Germline_v1.3.4, this variant is classified as VUS-3C. Following criteria are met: 0104 - Dominant negative is a known mechanism of disease in this gene and is associated with DSPP-related conditions. Functional studies have shown that the secretion of wild type DSPP protein in HEK293 cells was inhibited by the co-expression of DSPP with pathogenic missense or frameshift variants (PMID: 22392858, 26788535) (I) 0107 - This gene is associated with autosomal dominant disease. Missense variants in the amino acids after the signal peptide (p.Ala15-p.Val18) or splice variants causing exon 3 skipping are associated with deafness, autosomal dominant 39, with dentinogenesis (MIM#605594) and dentinogenesis imperfecta, Shields type III (MIM#125500) (PMIDs: 22392858, 26788535). Frameshift variants stating in exon 5 which cause a -1 reading frame shift and protein extension are associated with dentin dysplasia, type II (MIM#125420) and dentinogenesis imperfecta, Shields type II (MIM#125490) (PMIDs: 22392858, 26788535). (I) 0200 - Variant is predicted to result in a missense amino acid change from serine to isoleucine. (I) 0251 - This variant is heterozygous. (I) 0301 - Variant is absent from gnomAD (both v2 and v3). (SP) 0309 - An alternative amino acid change at the same position has been observed in gnomAD (v2 and v3) (27 heterozygotes, 0 homozygotes). (I) 0502 - Missense variant with conflicting in silico predictions and uninformative conservation. (I) 0604 - Variant is not located in an established domain, motif, hotspot or informative constraint region. (I) 0710 - Another missense variant comparable to the one identified in this case has inconclusive previous evidence for pathogenicity. p.(Ser161Asn) has been classified as a VUS by a clinical laboratory in ClinVar. (I) 0807 - This variant has no previous evidence of pathogenicity. (I) 0905 - No published segregation evidence has been identified for this variant. (I) 1007 - No published functional evidence has been identified for this variant. (SP) Legend: (SP) - Supporting pathogenic, (I) - Information, (SB) - Supporting benign

Literature cited by the submitters: PubMed 22392858; PubMed 26788535.

NM_014208.3(DSPP):c.1847G>T (p.Ser616Ile)

Genes: DMP1-AS1 (DMP1 and DSPP antisense RNA 1; minus strand), DSPP (dentin sialophosphoprotein; plus strand). Cytogenetic location: 4q22.1.
Variant type: single nucleotide variant.
Coding change: c.1847G>T on transcript NM_014208.3 (MANE Select); coding-DNA position 1847, G replaced by T.
Protein change: p.Ser616Ile; replaces serine 616 with isoleucine.
Molecular consequence: missense variant.
Genome position (GRCh38, 1-based): chr4:87,614,509, G>T. VCF-style: chr4-87614509-G-T. GRCh37 (hg19) VCF-style: chr4-88535661-G-T.
Other names: short protein forms S616I.
Identifiers: ClinVar variation 3376839 (VCV003376839.1).
Genomic context (GRCh38, chr4:87,614,509, plus strand): 5'-GTGATAGCAGCAATAGCAGTGACAGTAGTGACAGCAGTGATAGCAGTGACAGTAGTGATA[G>T]TAGTGACAGCAGTGACAGCAAGTCAGACAGCAGCAAATCAGAGAGCGACAGCAGTGATAG-3'
Protein context (NP_055023.2, residues 606-626): DSSDSSDSSD[Ser616Ile]SDSSDSKSDS